The following is an entry in ClinVar:

ClinVar aggregate classification (germline): Uncertain significance (1 of 4 stars; one submission).

Conditions:
Neurofibromatosis, type 1 (NF1). Also called: Neurofibromatosis, type I; VON RECKLINGHAUSEN DISEASE; NEUROFIBROMATOSIS, TYPE I, SOMATIC; Peripheral type neurofibromatosis. Identifiers: Orphanet 636, MedGen C0027831, MONDO:0018975, OMIM 162200. Disease mechanism: loss of function.

Submission:

Labcorp Genetics (formerly Invitae), Labcorp
Classification: Uncertain significance for Neurofibromatosis, type 1. Last evaluated: 2022-10-05. Review status: criteria provided, single submitter. Criteria: Invitae Variant Classification Sherloc (09022015). Collection method: clinical testing. Allele origin: germline.
Comment: This sequence change replaces glutamic acid, which is acidic and polar, with aspartic acid, which is acidic and polar, at codon 2174 of the NF1 protein (p.Glu2174Asp). This variant is not present in population databases (gnomAD no frequency). This variant has not been reported in the literature in individuals affected with NF1-related conditions. Advanced modeling of protein sequence and biophysical properties (such as structural, functional, and spatial information, amino acid conservation, physicochemical variation, residue mobility, and thermodynamic stability) performed at Invitae indicates that this missense variant is not expected to disrupt NF1 protein function. In summary, the available evidence is currently insufficient to determine the role of this variant in disease. Therefore, it has been classified as a Variant of Uncertain Significance.

NM_001042492.3(NF1):c.6585G>C (p.Glu2195Asp)

Gene: NF1 (neurofibromin 1; plus strand). Cytogenetic location: 17q11.2.
Variant type: single nucleotide variant.
Coding change: c.6585G>C on transcript NM_001042492.3 (MANE Select); coding-DNA position 6585, G replaced by C.
Protein change: p.Glu2195Asp; replaces glutamic acid 2195 with aspartic acid.
Molecular consequence: missense variant.
Genome position (GRCh38, 1-based): chr17:31,337,525, G>C. VCF-style: chr17-31337525-G-C. GRCh37 (hg19) VCF-style: chr17-29664543-G-C.
Other names: c.6522G>C, p.Glu2174Asp (NM_000267.4); short protein forms E2174D, E2195D.
Identifiers: ClinVar variation 1721060 (VCV001721060.5), dbSNP rs202151774, ClinGen allele CA399013334.
Genomic context (GRCh38, chr17:31,337,525, plus strand): 5'-CATTGCCTTCCGTTCCAGTTACCGGGACAGGTCATTCTCTCCTGGCTCCTATGAGAGAGA[G>C]ACTTTTGCTTTGACATCCTTGGAAACAGTCACAGAAGCTTTGTTGGAGATCATGGAGGTA-3'
Protein context (NP_001035957.1, residues 2185-2205): RSFSPGSYER[Glu2195Asp]TFALTSLETV